The following is an entry in ClinVar:

NM_006755.2(TALDO1):c.457G>A (p.Gly153Arg)

Gene: TALDO1 (transaldolase 1; plus strand). Cytogenetic location: 11p15.5.
Variant type: single nucleotide variant.
Coding change: c.457G>A on transcript NM_006755.2 (MANE Select); coding-DNA position 457, G replaced by A.
Protein change: p.Gly153Arg; replaces glycine 153 with arginine.
Molecular consequence: missense variant.
Genome position (GRCh38, 1-based): chr11:760,249, G>A. VCF-style: chr11-760249-G-A. GRCh37 (hg19) VCF-style: chr11-760249-G-A.
Other names: short protein forms G153R.
Identifiers: ClinVar variation 1370229 (VCV001370229.6), dbSNP rs2133577917, ClinGen allele CA378932271.

ClinVar aggregate classification (germline): Uncertain significance (1 of 4 stars; one submission).

Submission:

Labcorp Genetics (formerly Invitae), Labcorp
Classification: Uncertain significance. Last evaluated: 2022-09-01. Review status: criteria provided, single submitter. Criteria: Invitae Variant Classification Sherloc (09022015). Collection method: clinical testing. Allele origin: germline.
Comment: In summary, the available evidence is currently insufficient to determine the role of this variant in disease. Therefore, it has been classified as a Variant of Uncertain Significance. Algorithms developed to predict the effect of missense changes on protein structure and function (SIFT, PolyPhen-2, Align-GVGD) all suggest that this variant is likely to be disruptive. ClinVar contains an entry for this variant (Variation ID: 1370229). This variant has not been reported in the literature in individuals affected with TALDO1-related conditions. This variant is not present in population databases (gnomAD no frequency). This sequence change replaces glycine, which is neutral and non-polar, with arginine, which is basic and polar, at codon 153 of the TALDO1 protein (p.Gly153Arg).